The following is an entry in ClinVar:

NM_012120.3(CD2AP):c.1107G>T (p.Lys369Asn)

Gene: CD2AP (CD2 associated protein; plus strand). Cytogenetic location: 6p12.3.
Variant type: single nucleotide variant.
Coding change: c.1107G>T on transcript NM_012120.3 (MANE Select); coding-DNA position 1107, G replaced by T.
Protein change: p.Lys369Asn; replaces lysine 369 with asparagine.
Molecular consequence: missense variant.
Genome position (GRCh38, 1-based): chr6:47,582,064, G>T. VCF-style: chr6-47582064-G-T. GRCh37 (hg19) VCF-style: chr6-47549800-G-T.
Other names: short protein forms K369N.
Identifiers: ClinVar variation 3720697 (VCV003720697.2).

ClinVar aggregate classification (germline): Uncertain significance (1 of 4 stars; one submission).

gnomAD v4.1: 2 of 1,577,458 alleles (0.00013%); highest among the groups gnomAD compares: Non-Finnish European, 0.00017%; no homozygotes.

Submission:

Labcorp Genetics (formerly Invitae), Labcorp
Classification: Uncertain significance. Last evaluated: 2025-07-10. Review status: criteria provided, single submitter. Criteria: Invitae Variant Classification Sherloc (09022015). Collection method: clinical testing. Allele origin: germline.
Comment: This sequence change replaces lysine, which is basic and polar, with asparagine, which is neutral and polar, at codon 369 of the CD2AP protein (p.Lys369Asn). This variant is not present in population databases (gnomAD no frequency). This missense change has been observed in individual(s) with steroid resistant nephrotic syndrome (PMID: 28658201). ClinVar contains an entry for this variant (Variation ID: 3720697). An algorithm developed to predict the effect of missense changes on protein structure and function (PolyPhen-2) suggests that this variant is likely to be disruptive. In summary, the available evidence is currently insufficient to determine the role of this variant in disease. Therefore, it has been classified as a Variant of Uncertain Significance.

Literature cited by the submitters: PubMed 28658201.